The following is an entry in ClinVar:

ClinVar aggregate classification (germline): Uncertain significance (1 of 4 stars; one submission).

Conditions:
Retinitis pigmentosa 71 (RP71). Identifiers: Orphanet 791, MedGen C4225342, MONDO:0014618, OMIM 616394.
Short-rib thoracic dysplasia 10 with or without polydactyly (SRTD10). Identifiers: Orphanet 474, MedGen C3810175, MONDO:0014284, OMIM 615630.

Allele frequency attached by ClinVar (database versions not stated): gnomAD exomes below 0.00001; TOPMed below 0.00001.

Submission:

Labcorp Genetics (formerly Invitae), Labcorp
Classification: Uncertain significance for Retinitis pigmentosa 71; Short-rib thoracic dysplasia 10 with or without polydactyly. Last evaluated: 2022-02-11. Review status: criteria provided, single submitter. Criteria: Invitae Variant Classification Sherloc (09022015). Collection method: clinical testing. Allele origin: germline.
Comment: In summary, the available evidence is currently insufficient to determine the role of this variant in disease. Therefore, it has been classified as a Variant of Uncertain Significance. Algorithms developed to predict the effect of missense changes on protein structure and function are either unavailable or do not agree on the potential impact of this missense change (SIFT: "Deleterious"; PolyPhen-2: "Probably Damaging"; Align-GVGD: "Class C0"). This variant has not been reported in the literature in individuals affected with IFT172-related conditions. This variant is not present in population databases (gnomAD no frequency). This sequence change replaces cysteine, which is neutral and slightly polar, with phenylalanine, which is neutral and non-polar, at codon 526 of the IFT172 protein (p.Cys526Phe).

NM_015662.3(IFT172):c.1577G>T (p.Cys526Phe)

Gene: IFT172 (intraflagellar transport 172; minus strand). Cytogenetic location: 2p23.3.
Variant type: single nucleotide variant.
Coding change: c.1577G>T on transcript NM_015662.3 (MANE Select); coding-DNA position 1577, G replaced by T.
Protein change: p.Cys526Phe; replaces cysteine 526 with phenylalanine.
Molecular consequence: missense variant.
Genome position (GRCh38, 1-based): chr2:27,471,043, C>A on the plus strand (G>T on the coding strand, the complement: IFT172 is on the minus strand). VCF-style: chr2-27471043-C-A. GRCh37 (hg19) VCF-style: chr2-27693910-C-A.
Other names: short protein forms C526F.
Identifiers: ClinVar variation 1449636 (VCV001449636.9), dbSNP rs1667527908, ClinGen allele CA346390355.